The following is an entry in ClinVar:

NM_017646.6(TRIT1):c.1205G>C (p.Arg402Pro)

Gene: TRIT1 (tRNA isopentenyltransferase 1; minus strand). Cytogenetic location: 1p34.2.
Variant type: single nucleotide variant.
Coding change: c.1205G>C on transcript NM_017646.6 (MANE Select); coding-DNA position 1205, G replaced by C.
Protein change: p.Arg402Pro; replaces arginine 402 with proline.
Molecular consequence: missense variant.
Genome position (GRCh38, 1-based): chr1:39,844,130, C>G on the plus strand (G>C on the coding strand, the complement: TRIT1 is on the minus strand). VCF-style: chr1-39844130-C-G. GRCh37 (hg19) VCF-style: chr1-40309802-C-G.
Other names: p.Arg402Pro; c.1127G>C, p.Arg376Pro (NM_001312691.2); c.959G>C, p.Arg320Pro (NM_001312692.2); short protein forms R320P, R376P, R402P.
Identifiers: ClinVar variation 5038040 (VCV005038040.1).
Genomic context (GRCh38, chr1:39,844,130, plus strand): 5'-AGATTTCTTCATGCCCCTCCCCATACTCTACCTGCCCATTCGCGATCCCCAATGATGATT[C>G]GATCACAGAGGTCACACAGGTGATAACTTCTCTTGTTCTCAGCTTCATTGTATGGCATCT-3'
Protein context (NP_060116.2, residues 392-412): RSYHLCDLCD[Arg402Pro]IIIGDREWAA

ClinVar aggregate classification (germline): Likely pathogenic (1 of 4 stars; one submission).

Conditions:
Combined oxidative phosphorylation deficiency 35 (COXPD35). Identifiers: MedGen C4693466, MONDO:0054742, OMIM 617873.

Submission:

Department of Molecular Genetics, Istishari Arab Hospital
Classification: Likely pathogenic for Combined oxidative phosphorylation deficiency 35. Last evaluated: 2026-10-29. Review status: criteria provided, single submitter. Criteria: ACMG Guidelines, 2015. Collection method: clinical testing. Allele origin: germline. Inheritance: Autosomal recessive inheritance. Affected: yes.
Comment: The TRIT1 variant c.1205G>C, p.Arg402Pro causes an amino acid change from Arg to Pro at position 402 located in exon 10 (of 11). The variant is not observed in the gnomAD v4.1.0 dataset. additional clinical and genetic information was obtained through communication with the treating physician, indicating recurrence of the variant in reportedly unrelated affected families with concordant clinical manifestations. Following review of the additional evidence, the variant is classified as likely pathogenic based on ACMG/AMP/ClinGen SVI guidelines.

Literature cited by the submitters: PubMed 41760017.